The following is an entry in ClinVar:

NM_001127208.3(TET2):c.2398C>T (p.His800Tyr)

Genes: TET2 (tet methylcytosine dioxygenase 2; plus strand), TET2-AS1 (TET2 antisense RNA 1; minus strand). Cytogenetic location: 4q24.
Variant type: single nucleotide variant.
Coding change: c.2398C>T on transcript NM_001127208.3 (MANE Select); coding-DNA position 2398, C replaced by T.
Protein change: p.His800Tyr; replaces histidine 800 with tyrosine.
Molecular consequence: missense variant.
Genome position (GRCh38, 1-based): chr4:105,236,340, C>T. VCF-style: chr4-105236340-C-T. GRCh37 (hg19) VCF-style: chr4-106157497-C-T.
Other names: c.2398C>T, p.His800Tyr (NM_017628.4); short protein forms H800Y.
Identifiers: ClinVar variation 3967702 (VCV003967702.1).

ClinVar aggregate classification (germline): Uncertain significance (1 of 4 stars; one submission).

gnomAD v4.1: 7 of 1,613,884 alleles (0.00043%); highest among the groups gnomAD compares: African/African-American, 0.0093%; no homozygotes.

Submission:

Ambry Genetics
Classification: Uncertain significance. Last evaluated: 2025-06-08. Review status: criteria provided, single submitter. Criteria: Ambry Variant Classification Scheme 2023. Collection method: clinical testing. Allele origin: germline.
Comment: The p.H800Y variant (also known as c.2398C>T), located in coding exon 1 of the TET2 gene, results from a C to T substitution at nucleotide position 2398. The histidine at codon 800 is replaced by tyrosine, an amino acid with similar properties. This amino acid position is conserved. In addition, this alteration is predicted to be tolerated by in silico analysis. Based on the available evidence, the clinical significance of this variant remains unclear.